The following is an entry in ClinVar:

NM_020988.3(GNAO1):c.118G>C (p.Gly40Arg)

Gene: GNAO1 (G protein subunit alpha o1; plus strand). Cytogenetic location: 16q13.
Variant type: single nucleotide variant.
Coding change: c.118G>C on transcript NM_020988.3 (MANE Select); coding-DNA position 118, G replaced by C.
Protein change: p.Gly40Arg; replaces glycine 40 with arginine.
Molecular consequence: missense variant.
Genome position (GRCh38, 1-based): chr16:56,192,353, G>C. VCF-style: chr16-56192353-G-C. GRCh37 (hg19) VCF-style: chr16-56226265-G-C.
Other names: c.118G>C, p.Gly40Arg (NM_138736.3); short protein forms G40R.
Identifiers: ClinVar variation 287466 (VCV000287466.20), dbSNP rs886041715, ClinGen allele CA10605777.

ClinVar aggregate classification (germline): Conflicting classifications of pathogenicity. Review status: criteria provided, conflicting classifications (1 of 4 stars). 7 submissions from 6 submitters: Pathogenic (4); Uncertain significance (1). 2 of the submissions do not count toward it. Last evaluated 2026-06-08.

Conditions:
Early-infantile DEE. Also called: Ohtahara syndrome; Early infantile epileptic encephalopathy with suppression bursts; Early infantile epileptic encephalopathy. Identifiers: Orphanet 1934, MedGen C0393706, MONDO:0800491.
Epilepsy. Also called: Seizure disorder. Identifiers: MedGen C0014544, MeSH D004827, MONDO:0005027.
Epileptic encephalopathy. Identifiers: MedGen C0543888, HP:0200134.
Developmental and epileptic encephalopathy, 17 (DEE17). Also called: Early infantile epileptic encephalopathy 17. Identifiers: Orphanet 1934, MedGen C3809606, MONDO:0014199, OMIM 615473.

Submissions (7):

Cytogénomique, Hospices Civils de Lyon
Classification: Pathogenic for Epilepsy. Last evaluated: 2026-06-08. Review status: criteria provided, single submitter. Criteria: ACMG Guidelines, 2015. Collection method: clinical testing. Allele origin: germline. Affected: yes.

GeneDx
Classification: Pathogenic. Last evaluated: 2024-09-11. Review status: criteria provided, single submitter. Criteria: GeneDx Variant Classification Process June 2021. Collection method: clinical testing. Allele origin: germline. Affected: yes.
Comment: Not observed at significant frequency in large population cohorts (gnomAD); In silico analysis supports that this missense variant has a deleterious effect on protein structure/function; This variant is associated with the following publications: (PMID: 30682224, 31278258, 32581362, 34122306, 33057194, 37541188, 35982159, 31175295, 31785789, 31440721, 37548038, 28357411)

Cytogénomique, Hospices Civils de Lyon
Classification: Pathogenic for Epileptic encephalopathy. Last evaluated: 2020-02-25. Review status: criteria provided, single submitter. Criteria: ACMG Guidelines, 2015. Collection method: clinical testing. Allele origin: de novo. Inheritance: Sporadic. Affected: yes.
Comment: de novo variant, previously described in the literature, absent from gnomAD.

Labcorp Genetics (formerly Invitae), Labcorp
Classification: Pathogenic for Early-infantile DEE. Last evaluated: 2018-08-01. Review status: criteria provided, single submitter. Criteria: Invitae Variant Classification Sherloc (09022015). Collection method: clinical testing. Allele origin: germline.
Comment: For these reasons, this variant has been classified as Pathogenic. A different variant affecting this nucleotide (c.118G>A)resulting in the same protein affect (p.G40R) has been determined to be pathogenic (PMID: 26485252, 28747448, 28817111). This suggests that this nucleotide is important for normal RNA splicing, and that other variants at this position may also be pathogenic. Nucleotide substitutions within the consensus splice site are a relatively common cause of aberrant splicing (PMID: 17576681, 9536098). Algorithms developed to predict the effect of sequence changes on RNA splicing suggest that this variant may disrupt the consensus splice site, but this prediction has not been confirmed by published transcriptional studies. Algorithms developed to predict the effect of missense changes on protein structure and function are either unavailable or do not agree on the potential impact of this missense change (SIFT: "Deleterious"; PolyPhen-2: "Probably Damaging"; Align-GVGD: "Class C15"). This variant has been reported to be de novo in individuals affected with GNAO1 related disease; however, paternity was not confirmed (PMID: 28357411, Invitae). This variant is not present in population databases (ExAC no frequency). This sequence change replaces glycine with arginine at codon 40 of the GNAO1 protein (p.Gly40Arg). The glycine residue is highly conserved and there is a moderate physicochemical difference between glycine and arginine. This variant also falls at the last nucleotide of exon 1 of the GNAO1 coding sequence, which is part of the consensus splice site for this exon.

Eurofins Ntd Llc (ga)
Classification: Uncertain significance. Last evaluated: 2016-04-15. Review status: criteria provided, single submitter. Criteria: EGL Classification Definitions 2015. Collection method: clinical testing. Allele origin: germline. Observed: 1 variant allele, 1 heterozygote.

Pediatric Department, Peking University First Hospital
Classification: Pathogenic for Developmental and epileptic encephalopathy, 17. Last evaluated: 2021-02-03. Review status: no assertion criteria provided. Collection method: clinical testing. Allele origin: de novo. Affected: yes. Not counted in ClinVar's aggregate classification.

NIHR Bioresource Rare Diseases, University of Cambridge
Classification: Likely pathogenic for Epileptic encephalopathy. Review status: no assertion criteria provided. Collection method: research. Allele origin: unknown. Affected: yes. Observed: 1 variant allele. Not counted in ClinVar's aggregate classification.

Literature cited by the submitters: PubMed 26485252 (cited by Labcorp Genetics (formerly Invitae), Labcorp); PubMed 28747448 (cited by Labcorp Genetics (formerly Invitae), Labcorp); PubMed 28817111 (cited by Labcorp Genetics (formerly Invitae), Labcorp); PubMed 17576681 (cited by Labcorp Genetics (formerly Invitae), Labcorp); PubMed 9536098 (cited by Labcorp Genetics (formerly Invitae), Labcorp); PubMed 28357411 (cited by Labcorp Genetics (formerly Invitae), Labcorp and Pediatric Department, Peking University First Hospital); PubMed 30682224 (cited by Pediatric Department, Peking University First Hospital); PubMed 32581362 (cited by NIHR Bioresource Rare Diseases, University of Cambridge).